The following is an entry in ClinVar:

ClinVar aggregate classification (germline): Likely pathogenic (1 of 4 stars; one submission).

Submission:

GeneDx
Classification: Likely pathogenic. Last evaluated: 2026-08-21. Review status: criteria provided, single submitter. Criteria: GeneDx Variant Classification Process June 2021. Collection method: clinical testing. Allele origin: germline.
Comment: Frameshift variant predicted to result in protein truncation or nonsense mediated decay in a gene for which loss of function is a known mechanism of disease; Not observed at significant frequency in large population cohorts (gnomAD); Has not been previously published as pathogenic or benign to our knowledge

NM_001165963.4(SCN1A):c.3448_3451del (p.Ser1150fs)

Genes: SCN1A (sodium voltage-gated channel alpha subunit 1; minus strand), LOC102724058 (uncharacterized LOC102724058; plus strand). Cytogenetic location: 2q24.3.
Variant type: Deletion.
Coding change: c.3448_3451del on transcript NM_001165963.4 (MANE Select); coding-DNA positions 3448 to 3451, 4 bases deleted (AGCT; older notation c.3448_3451delAGCT).
Protein change: p.Ser1150fs; shifts the reading frame from serine 1150.
Molecular consequence: frameshift variant. On other transcripts: non-coding transcript variant (2).
Genome position (GRCh38, 1-based): chr2:166,015,706-166,015,709, AGCT deleted on the plus strand (AGCT on the coding strand, the reverse complement: SCN1A is on the minus strand); deleting any 4 consecutive bases within chr2:166,015,706-166,015,710 gives the same sequence; the c. name uses the placement nearest the transcript's 3' end. VCF-style (leftmost placement, unchanged base first): chr2-166015705-GAGCT-G. GRCh37 (hg19) VCF-style: chr2-166872215-GAGCT-G.
Other names: c.3448_3451del (NM_001165963.1); c.3364_3367del, p.Ser1122fs (NM_001165964.3, NM_001353957.2, NM_001353958.2); c.3448_3451del, p.Ser1150fs (NM_001202435.3, NM_001353948.2); c.3415_3418del, p.Ser1139fs (NM_001353949.2, NM_001353950.2, NM_001353951.2 and 2 more transcripts); c.3412_3415del, p.Ser1138fs (NM_001353954.2, NM_001353955.2); c.3361_3364del, p.Ser1121fs (NM_001353960.2); c.1006_1009del, p.Ser336fs (NM_001353961.2); c.3448_3451delAGCT (NM_001165963.1); short protein forms S1121fs, S1138fs, S1122fs, S1139fs, S1150fs, S336fs.
Identifiers: ClinVar variation 420470 (VCV000420470.3), dbSNP rs1064794495, ClinGen allele CA16617298.